The following is an entry in ClinVar:

ClinVar aggregate classification (germline): Conflicting classifications of pathogenicity. Review status: criteria provided, conflicting classifications (1 of 4 stars). 5 submissions from 5 submitters: Uncertain significance (3); Likely benign (2). Last evaluated 2025-12-01.

Conditions:
Inborn genetic diseases. Identifiers: MedGen C0950123, MeSH D030342.

Allele frequency attached by ClinVar (database versions not stated): TOPMed 0.00005; gnomAD 0.00006 and 0.00007; ExAC 0.00007; gnomAD exomes 0.00007 and 0.00009.

Submissions (5):

CeGaT Center for Human Genetics Tuebingen
Classification: Likely benign. Last evaluated: 2025-12-01. Review status: criteria provided, single submitter. Criteria: CeGaT Center For Human Genetics Tuebingen Variant Classification Criteria Version 2. Collection method: clinical testing. Allele origin: germline. Affected: yes. Observed: 4 variant alleles.
Comment: SPTBN2: BS2

Labcorp Genetics (formerly Invitae), Labcorp
Classification: Likely benign. Last evaluated: 2025-11-17. Review status: criteria provided, single submitter. Criteria: Invitae Variant Classification Sherloc (09022015). Collection method: clinical testing. Allele origin: germline.

Blueprint Genetics
Classification: Uncertain significance. Last evaluated: 2024-11-27. Review status: criteria provided, single submitter. Criteria: ACMG Guidelines, 2015. Collection method: clinical testing. Allele origin: germline.

Ambry Genetics
Classification: Uncertain significance for Inborn genetic diseases. Last evaluated: 2024-05-14. Review status: criteria provided, single submitter. Criteria: Ambry Variant Classification Scheme 2023. Collection method: clinical testing. Allele origin: germline.

Athena Diagnostics
Classification: Uncertain significance. Last evaluated: 2021-02-10. Review status: criteria provided, single submitter. Criteria: Athena Diagnostics criteria. Collection method: clinical testing. Allele origin: unknown.

NM_006946.4(SPTBN2):c.1504A>G (p.Ile502Val)

Gene: SPTBN2 (spectrin beta, non-erythrocytic 2; minus strand). Cytogenetic location: 11q13.2.
Variant type: single nucleotide variant.
Coding change: c.1504A>G on transcript NM_006946.4 (MANE Select); coding-DNA position 1504, A replaced by G.
Protein change: p.Ile502Val; replaces isoleucine 502 with valine.
Molecular consequence: missense variant.
Genome position (GRCh38, 1-based): chr11:66,707,665, T>C on the plus strand (A>G on the coding strand, the complement: SPTBN2 is on the minus strand). VCF-style: chr11-66707665-T-C. GRCh37 (hg19) VCF-style: chr11-66475136-T-C.
Other names: short protein forms I502V.
Identifiers: ClinVar variation 1256171 (VCV001256171.40), dbSNP rs751351000, ClinGen allele CA6129350.